The following is an entry in ClinVar:

NM_006517.5(SLC16A2):c.118G>T (p.Glu40Ter)

Gene: SLC16A2 (solute carrier family 16 member 2; plus strand). Cytogenetic location: Xq13.2.
Variant type: single nucleotide variant.
Coding change: c.118G>T on transcript NM_006517.5 (MANE Select); coding-DNA position 118, G replaced by T.
Protein change: p.Glu40Ter; replaces glutamic acid 40 with a stop codon.
Molecular consequence: nonsense.
Genome position (GRCh38, 1-based): chrX:74,421,755, G>T. VCF-style: chrX-74421755-G-T. GRCh37 (hg19) VCF-style: chrX-73641590-G-T.
Other names: short protein forms E40*.
Identifiers: ClinVar variation 4292696 (VCV004292696.1).
Genomic context (GRCh38, chrX:74,421,755, plus strand): 5'-CAGGAACAGCAGGAGCCGGTGGGTAGCCCAGAGCCGGAGTCTGAGCCGGAGCCTGAGCCC[G>T]AGCCCGAGCCCGTGCCAGTGCCCCCGCCCGAGCCCCAGCCGGAGCCCCAGCCCCTACCGG-3'

ClinVar aggregate classification (germline): Pathogenic (1 of 4 stars; one submission).

Conditions:
Allan-Herndon-Dudley syndrome (AHDS). Also called: ALLAN-HERNDON SYNDROME; MENTAL RETARDATION AND MUSCULAR ATROPHY; T3 RESISTANCE; TRIIODOTHYRONINE RESISTANCE; Passos-Bueno syndrome. Identifiers: Orphanet 59, MedGen C0795889, MONDO:0010354, OMIM 300523.

Submission:

3billion
Classification: Pathogenic for Allan-Herndon-Dudley syndrome. Last evaluated: 2024-11-11. Review status: criteria provided, single submitter. Criteria: ACMG Guidelines, 2015. Collection method: clinical testing. Allele origin: germline. Affected: yes.
Comment: The variant is not observed in the gnomAD v4.1.0 dataset. Predicted Consequence/Location: Stop-gained (nonsense): predicted to result in a loss or disruption of normal protein function through nonsense-mediated decay (NMD) or protein truncation. Multiple pathogenic variants are reported downstream of the variant. The variant has been reported to be associated with SLC16A2 related disorder (PMID: 32559475). Therefore, this variant is classified as Pathogenic according to the recommendation of ACMG/AMP guideline.

Literature cited by the submitters: PubMed 32559475.